The following is an entry in ClinVar:

NM_004370.6(COL12A1):c.9014C>T (p.Pro3005Leu)

Gene: COL12A1 (collagen type XII alpha 1 chain; minus strand). Cytogenetic location: 6q13.
Variant type: single nucleotide variant.
Coding change: c.9014C>T on transcript NM_004370.6 (MANE Select); coding-DNA position 9014, C replaced by T.
Protein change: p.Pro3005Leu; replaces proline 3005 with leucine.
Molecular consequence: missense variant.
Genome position (GRCh38, 1-based): chr6:75,087,744, G>A on the plus strand (C>T on the coding strand, the complement: COL12A1 is on the minus strand). VCF-style: chr6-75087744-G-A. GRCh37 (hg19) VCF-style: chr6-75797460-G-A.
Other names: c.9014C>T (NM_004370.5); c.5522C>T, p.Pro1841Leu (NM_080645.3); short protein forms P1841L, P3005L.
Identifiers: ClinVar variation 1690610 (VCV001690610.9), dbSNP rs1767574773, ClinGen allele CA364733219.

ClinVar aggregate classification (germline): Uncertain significance. Review status: criteria provided, multiple submitters, no conflicts (2 of 4 stars). 3 submissions from 3 submitters: Uncertain significance (3). Last evaluated 2025-12-08.

Conditions:
Bethlem myopathy 2 (BTHLM2). Identifiers: Orphanet 536516, Orphanet 610, MedGen C4225313, MONDO:0034022, OMIM 616471.
Ullrich congenital muscular dystrophy 2 (UCMD2). Identifiers: Orphanet 75840, MedGen C4225314, MONDO:0014654, OMIM 616470.

Allele frequency attached by ClinVar (database versions not stated): gnomAD exomes below 0.00001; TOPMed 0.00001.
gnomAD v4.1: 1 of 1,604,742 alleles (0.000062%); highest among the groups gnomAD compares: Non-Finnish European, 0.000085%; no homozygotes.

Submissions (3):

Labcorp Genetics (formerly Invitae), Labcorp
Classification: Uncertain significance for Bethlem myopathy 2; Ullrich congenital muscular dystrophy 2. Last evaluated: 2025-12-08. Review status: criteria provided, single submitter. Criteria: Invitae Variant Classification Sherloc (09022015). Collection method: clinical testing. Allele origin: germline.
Comment: This sequence change replaces proline, which is neutral and non-polar, with leucine, which is neutral and non-polar, at codon 3005 of the COL12A1 protein (p.Pro3005Leu). This variant is not present in population databases (gnomAD no frequency). This variant has not been reported in the literature in individuals affected with COL12A1-related conditions. ClinVar contains an entry for this variant (Variation ID: 1690610). An algorithm developed to predict the effect of missense changes on protein structure and function (PolyPhen-2) suggests that this variant is likely to be tolerated. In summary, the available evidence is currently insufficient to determine the role of this variant in disease. Therefore, it has been classified as a Variant of Uncertain Significance.

GeneDx
Classification: Uncertain significance. Last evaluated: 2022-04-18. Review status: criteria provided, single submitter. Criteria: GeneDx Variant Classification Process June 2021. Collection method: clinical testing. Allele origin: germline. Affected: yes.
Comment: Not observed at significant frequency in large population cohorts (gnomAD); In silico analysis supports that this missense variant has a deleterious effect on protein structure/function; Has not been previously published as pathogenic or benign to our knowledge

Laboratorio de Genetica e Diagnostico Molecular, Hospital Israelita Albert Einstein
Classification: Uncertain significance. Last evaluated: 2022-04-04. Review status: criteria provided, single submitter. Criteria: ACMG Guidelines, 2015. Collection method: clinical testing. Allele origin: germline. Affected: yes.
Comment: ACMG classification criteria: PM2